The following is an entry in ClinVar:

ClinVar aggregate classification (germline): Uncertain significance (1 of 4 stars; one submission).

Conditions:
Ulnar-mammary syndrome (UMS). Also called: Ulnar-mammary syndrome of Pallister; PALLISTER ULNAR-MAMMARY SYNDROME; SCHINZEL SYNDROME. Identifiers: Orphanet 3138, MedGen C1866994, MONDO:0008411, OMIM 181450.

Allele frequency attached by ClinVar (database versions not stated): ExAC 0.00004.
gnomAD v4.1: 10 of 1,592,978 alleles (0.00063%); highest among the groups gnomAD compares: South Asian, 0.01%; no homozygotes.

Submission:

Neuberg Centre For Genomic Medicine, NCGM
Classification: Uncertain significance for Ulnar-mammary syndrome. Review status: criteria provided, single submitter. Criteria: ACMG Guidelines, 2015. Collection method: clinical testing. Allele origin: germline. Inheritance: Autosomal dominant inheritance. Affected: yes.
Comment: The missense variant p.K374T in TBX3 (NM_005996.4) has not been reported previously as a pathogenic variant nor as a benign variant, to our knowledge. The missense variant c.1121A>C (p.K374T) in TBX3 (NM_005996.4) is observed in 3/27742 (0.0108%) alleles from individuals of South Asian background in the gnomAD dataset (Exome Aggregation Consortium et al., 2016), but was not seen in the homozygous state. The p.K374T missense variant is predicted to be damaging by both SIFT and PolyPhen2. The nucleotide c.1121 in TBX3 is predicted conserved by GERP++ and PhyloP across 100 vertebrates. For these reasons, this variant has been classified as Uncertain Significance.

NM_005996.4(TBX3):c.1121A>C (p.Lys374Thr)

Gene: TBX3 (T-box transcription factor 3; minus strand). Cytogenetic location: 12q24.21.
Variant type: single nucleotide variant.
Coding change: c.1121A>C on transcript NM_005996.4 (MANE Select); coding-DNA position 1121, A replaced by C.
Protein change: p.Lys374Thr; replaces lysine 374 with threonine.
Molecular consequence: missense variant.
Genome position (GRCh38, 1-based): chr12:114,674,754, T>G on the plus strand (A>C on the coding strand, the complement: TBX3 is on the minus strand). VCF-style: chr12-114674754-T-G. GRCh37 (hg19) VCF-style: chr12-115112559-T-G.
Other names: c.1181A>C, p.Lys394Thr (NM_016569.4); short protein forms K374T, K394T.
Identifiers: ClinVar variation 2627433 (VCV002627433.1), dbSNP rs769533777, ClinGen allele CA6809992.
Genomic context (GRCh38, chr12:114,674,754, plus strand): 5'-GCCTTGACCGCGGGGCTGCCCTTGTCACGGCAGGGCTCCTCCGACGTGGTGGTGGAGATC[T>G]TGGCCGCGTCGCAGGCCTCGGGGCCATGCTCCTCTTTGCTCTCGGCCTCGGCGTCGCTCT-3'
Protein context (NP_005987.3, residues 364-384): EHGPEACDAA[Lys374Thr]ISTTTSEEPC